The following is an entry in ClinVar:

ClinVar aggregate classification (germline): Uncertain significance (1 of 4 stars; one submission).

Conditions:
Cardiomyopathy (CMYO). Also called: Cardiomyopathies. Identifiers: Orphanet 167848, MedGen C0878544, MONDO:0004994, HP:0001638. Inheritance: Various modes of inheritance.

Submission:

Color Diagnostics, LLC DBA Color Health
Classification: Uncertain significance for Cardiomyopathy. Last evaluated: 2024-10-07. Review status: criteria provided, single submitter. Criteria: ACMG Guidelines, 2015. Collection method: clinical testing. Allele origin: germline.
Comment: This variant deletes 1 nucleotide in exon 4 of the ACTC1 gene, creating a frameshift and premature translation stop signal. This variant is expected to result in an absent or non-functional protein product. To our knowledge, this variant has not been reported in individuals affected with ACTC1-related disorders in the literature. This variant has not been identified in the general population by the Genome Aggregation Database (gnomAD). Clinical relevance of loss-of-function ACTC1 truncation variants in autosomal dominant cardiovascular disorders is not clearly established. The available evidence is insufficient to determine the role of this variant in disease conclusively. Therefore, this variant is classified as a Variant of Uncertain Significance.

NM_005159.5(ACTC1):c.505del (p.Glu169fs)

Genes: ACTC1 (actin alpha cardiac muscle 1; minus strand), GJD2-DT (GJD2 divergent transcript; plus strand). Cytogenetic location: 15q14.
Variant type: Deletion.
Coding change: c.505del on transcript NM_005159.5 (MANE Select); coding-DNA position 505, one base deleted (G; older notation c.505delG).
Protein change: p.Glu169fs; shifts the reading frame from glutamic acid 169.
Molecular consequence: frameshift variant.
Genome position (GRCh38, 1-based): chr15:34,792,519, C deleted on the plus strand (G on the coding strand, the reverse complement: ACTC1 is on the minus strand). VCF-style (leftmost placement, unchanged base first): chr15-34792518-TC-T. GRCh37 (hg19) VCF-style: chr15-35084719-TC-T.
Other names: c.505del, p.Glu169fs (NM_001406482.1, NM_001406483.1); c.370del, p.Glu124fs (NM_001406484.1); c.64del, p.Glu22fs (NM_001406485.1); short protein forms E124fs, E169fs, E22fs.
Identifiers: ClinVar variation 3894116 (VCV003894116.1).